The following is an entry in ClinVar:

NM_000051.4(ATM):c.7193dup (p.Tyr2398Ter)

Genes: ATM (ATM serine/threonine kinase; plus strand), C11orf65 (chromosome 11 open reading frame 65; minus strand). Cytogenetic location: 11q22.3.
Variant type: Duplication.
Coding change: c.7193dup on transcript NM_000051.4 (MANE Select); coding-DNA position 7193, one base duplicated (A; older notation c.7193dupA).
Protein change: p.Tyr2398Ter; replaces tyrosine 2398 with a stop codon.
Molecular consequence: nonsense. On other transcripts: intron variant (2).
Genome position (GRCh38, 1-based): chr11:108,329,124, A duplicated. VCF-style (leftmost placement, unchanged base first): chr11-108329123-T-TA. GRCh37 (hg19) VCF-style: chr11-108199850-T-TA.
Other names: c.7193dup, p.Tyr2398Ter (NM_001351834.2); c.641-20053dup (NM_001330368.2); c.*38+6096dup (NM_001351110.2); short protein forms Y2398*.
Identifiers: ClinVar variation 2679778 (VCV002679778.3), dbSNP rs2547248883, ClinGen allele CA2695198999.
Genomic context (GRCh38, chr11:108,329,123, plus strand): 5'-GAGCTAAGAAATGGAAAAATGAAGGCATTTCTCTCATTAGCCCGGTTTTCAGATACTCAA[T>TA]ACCAAAGAATTGAAAACTACATGAAATCATCGGAATTTGAAAACAAGCAAGCTCTCCTGA-3'

ClinVar aggregate classification (germline): Pathogenic/Likely pathogenic. Review status: criteria provided, multiple submitters, no conflicts (2 of 4 stars). 2 submissions from 2 submitters: Pathogenic (1); Likely pathogenic (1). Last evaluated 2024-08-14.

Conditions:
Ataxia-telangiectasia syndrome (AT). Also called: LOUIS-BAR SYNDROME; Cerebello-oculocutaneous telangiectasia; Immunodeficiency with ataxia telangiectasia; Ataxia-telangiectasia, complementation group E; Ataxia-telangiectasia, complementation group D; AT, COMPLEMENTATION GROUP C. Identifiers: Orphanet 100, MedGen C0004135, MONDO:0008840, OMIM 208900.
Familial cancer of breast. Also called: BREAST CANCER, FAMILIAL; Hereditary breast cancer; hereditary breast carcinoma. Identifiers: Orphanet 227535, MedGen C0346153, MONDO:0016419, OMIM 114480. Disease mechanism: loss of function.

Submissions (2):

Labcorp Genetics (formerly Invitae), Labcorp
Classification: Pathogenic for Ataxia-telangiectasia syndrome. Last evaluated: 2024-08-14. Review status: criteria provided, single submitter. Criteria: Invitae Variant Classification Sherloc (09022015). Collection method: clinical testing. Allele origin: germline.
Comment: This sequence change creates a premature translational stop signal (p.Tyr2398*) in the ATM gene. It is expected to result in an absent or disrupted protein product. Loss-of-function variants in ATM are known to be pathogenic (PMID: 23807571, 25614872). This variant is not present in population databases (gnomAD no frequency). This variant has not been reported in the literature in individuals affected with ATM-related conditions. For these reasons, this variant has been classified as Pathogenic.

Baylor Genetics
Classification: Likely pathogenic for Familial cancer of breast. Last evaluated: 2021-12-18. Review status: criteria provided, single submitter. Criteria: ACMG Guidelines, 2015. Collection method: clinical testing. Allele origin: unknown.

Literature cited by the submitters: PubMed 23807571 (cited by Labcorp Genetics (formerly Invitae), Labcorp); PubMed 25614872 (cited by Labcorp Genetics (formerly Invitae), Labcorp).